The following is an entry in ClinVar:

ClinVar aggregate classification (germline): Uncertain significance (1 of 4 stars; one submission).

Conditions:
Klippel-Feil syndrome 1, autosomal dominant (KFS1). Also called: CERVICAL VERTEBRAL FUSION, AUTOSOMAL DOMINANT. Identifiers: Orphanet 2345, MedGen C1861689, MONDO:0007306, OMIM 118100.
Isolated microphthalmia 4. Identifiers: Orphanet 2542, MedGen C2751307, MONDO:0013130, OMIM 613094.
Microphthalmia, isolated, with coloboma 6 (MCOPCB6). Also called: MICROPHTHALMIA/COLOBOMA 6; Microphthalmia with coloboma 6, digenic; Microphthalmia with coloboma 6. Identifiers: Orphanet 98938, MedGen C3150968, MONDO:0013376, OMIM 613703.
Leber congenital amaurosis 17 (LCA17). Identifiers: Orphanet 65, MedGen C3715164, MONDO:0014145, OMIM 615360.

gnomAD v4.1: 1 of 1,469,198 alleles (0.000068%); highest among the groups gnomAD compares: Non-Finnish European, 0.00009%; no homozygotes.

Submission:

Labcorp Genetics (formerly Invitae), Labcorp
Classification: Uncertain significance for Isolated microphthalmia 4; Leber congenital amaurosis 17; Klippel-Feil syndrome 1, autosomal dominant; Microphthalmia, isolated, with coloboma 6. Last evaluated: 2025-03-17. Review status: criteria provided, single submitter. Criteria: Invitae Variant Classification Sherloc (09022015). Collection method: clinical testing. Allele origin: germline.
Comment: This sequence change replaces leucine, which is neutral and non-polar, with proline, which is neutral and non-polar, at codon 297 of the GDF6 protein (p.Leu297Pro). This variant is not present in population databases (gnomAD no frequency). This variant has not been reported in the literature in individuals affected with GDF6-related conditions. Invitae Evidence Modeling of protein sequence and biophysical properties (such as structural, functional, and spatial information, amino acid conservation, physicochemical variation, residue mobility, and thermodynamic stability) indicates that this missense variant is not expected to disrupt GDF6 protein function with a negative predictive value of 80%. In summary, the available evidence is currently insufficient to determine the role of this variant in disease. Therefore, it has been classified as a Variant of Uncertain Significance.

NM_001001557.4(GDF6):c.890T>C (p.Leu297Pro)

Gene: GDF6 (growth differentiation factor 6; minus strand). Cytogenetic location: 8q22.1.
Variant type: single nucleotide variant.
Coding change: c.890T>C on transcript NM_001001557.4 (MANE Select); coding-DNA position 890, T replaced by C.
Protein change: p.Leu297Pro; replaces leucine 297 with proline.
Molecular consequence: missense variant.
Genome position (GRCh38, 1-based): chr8:96,145,041, A>G on the plus strand (T>C on the coding strand, the complement: GDF6 is on the minus strand). VCF-style: chr8-96145041-A-G. GRCh37 (hg19) VCF-style: chr8-97157269-A-G.
Other names: short protein forms L297P.
Identifiers: ClinVar variation 4793565 (VCV004793565.1).
Genomic context (GRCh38, chr8:96,145,041, plus strand): 5'-GACGGCGGCGGCCACGACCCCTCGGCGCCCGCGCCCGGGCCCGCAGCCTCGGCCGAGCCC[A>G]GCTGCTCGCGCATCTCTGCGAACAGGTTCTTGCGCTGGGATCTGGTGAATACCACCAGCA-3'
Protein context (NP_001001557.1, residues 287-307): KNLFAEMREQ[Leu297Pro]GSAEAAGPGA